The following is an entry in ClinVar:

ClinVar aggregate classification (germline): Uncertain significance. Review status: criteria provided, single submitter (1 of 4 stars). 2 submissions from 2 submitters: Uncertain significance (1). 1 of the submissions does not count toward it. Last evaluated 2025-04-18.

Conditions:
GALNTL5-related disorder. Also called: GALNTL5-related condition.

Allele frequency attached by ClinVar (database versions not stated): ExAC 0.00006; gnomAD 0.00001; gnomAD exomes 0.00002; TOPMed 0.00002.
gnomAD v4.1: 31 of 1,614,046 alleles (0.0019%); highest among the groups gnomAD compares: Admixed American, 0.05%; 1 homozygote.

Submissions (2):

Ambry Genetics
Classification: Uncertain significance. Last evaluated: 2025-04-18. Review status: criteria provided, single submitter. Criteria: Ambry Variant Classification Scheme 2023. Collection method: clinical testing. Allele origin: germline.

PreventionGenetics, part of Exact Sciences
Classification: Uncertain significance for GALNTL5-related condition. Last evaluated: 2024-06-19. Review status: no assertion criteria provided. Collection method: clinical testing. Allele origin: germline. Not counted in ClinVar's aggregate classification.
Comment: The GALNTL5 c.706T>C variant is predicted to result in the amino acid substitution p.Trp236Arg. To our knowledge, this variant has not been reported in the literature. This variant is reported in 0.072% of alleles in individuals of Latino descent in gnomAD. At this time, the clinical significance of this variant is uncertain due to the absence of conclusive functional and genetic evidence.

NM_145292.4(GALNTL5):c.706T>C (p.Trp236Arg)

Gene: GALNTL5 (polypeptide N-acetylgalactosaminyltransferase like 5; plus strand). Cytogenetic location: 7q36.1.
Variant type: single nucleotide variant.
Coding change: c.706T>C on transcript NM_145292.4 (MANE Select); coding-DNA position 706, T replaced by C.
Protein change: p.Trp236Arg; replaces tryptophan 236 with arginine.
Molecular consequence: missense variant. On other transcripts: non-coding transcript variant (1).
Genome position (GRCh38, 1-based): chr7:152,002,761, T>C. VCF-style: chr7-152002761-T-C. GRCh37 (hg19) VCF-style: chr7-151699846-T-C.
Other names: short protein forms W236R.
Identifiers: ClinVar variation 2393758 (VCV002393758.4), dbSNP rs755106841, ClinGen allele CA4577510.
Genomic context (GRCh38, chr7:152,002,761, plus strand): 5'-CTTGCCTCCCCAGGGGATGTTCTGGTGTTCCTGGACAGCCACTGTGAGGTGAACAGAGTA[T>C]GGCTGGAGCCCCTGCTGCATGCCATTGCCAAGGACCCCAAAATGGTGGTGTGCCCCCTGA-3'
Protein context (NP_660335.2, residues 226-246): LDSHCEVNRV[Trp236Arg]LEPLLHAIAK